The following is an entry in ClinVar:

ClinVar aggregate classification (germline): Uncertain significance (1 of 4 stars; one submission).

Submission:

CeGaT Center for Human Genetics Tuebingen
Classification: Uncertain significance. Last evaluated: 2024-06-01. Review status: criteria provided, single submitter. Criteria: CeGaT Center For Human Genetics Tuebingen Variant Classification Criteria Version 2. Collection method: clinical testing. Allele origin: germline. Affected: yes. Observed: 1 variant allele.
Comment: AIFM1: PM2

NM_004208.4(AIFM1):c.1289G>A (p.Arg430His)

Genes: AIFM1 (apoptosis inducing factor mitochondria associated 1; minus strand), RAB33A (RAB33A, member RAS oncogene family; plus strand). Cytogenetic location: Xq26.1.
Variant type: single nucleotide variant.
Coding change: c.1289G>A on transcript NM_004208.4 (MANE Select); coding-DNA position 1289, G replaced by A.
Protein change: p.Arg430His; replaces arginine 430 with histidine.
Molecular consequence: missense variant. On other transcripts: 3 prime UTR variant (1), non-coding transcript variant (1).
Genome position (GRCh38, 1-based): chrX:130,136,061, C>T on the plus strand (G>A on the coding strand, the complement: AIFM1 is on the minus strand). VCF-style: chrX-130136061-C-T. GRCh37 (hg19) VCF-style: chrX-129270036-C-T.
Other names: c.272G>A, p.Arg91His (NM_001130846.4); c.*517G>A (NM_001130847.4); c.1277G>A, p.Arg426His (NM_145812.3); short protein forms R426H, R430H, R91H.
Identifiers: ClinVar variation 3251175 (VCV003251175.18), dbSNP rs2030322089.